The following is an entry in ClinVar:

NM_182961.4(SYNE1):c.10855G>A (p.Glu3619Lys)

Gene: SYNE1 (spectrin repeat containing nuclear envelope protein 1; minus strand). Cytogenetic location: 6q25.2.
Variant type: single nucleotide variant.
Coding change: c.10855G>A on transcript NM_182961.4 (MANE Select); coding-DNA position 10855, G replaced by A.
Protein change: p.Glu3619Lys; replaces glutamic acid 3619 with lysine.
Molecular consequence: missense variant.
Genome position (GRCh38, 1-based): chr6:152,354,730, C>T on the plus strand (G>A on the coding strand, the complement: SYNE1 is on the minus strand). VCF-style: chr6-152354730-C-T. GRCh37 (hg19) VCF-style: chr6-152675865-C-T.
Other names: c.10876G>A, p.Glu3626Lys (NM_033071.5); short protein forms E3626K, E3619K.
Identifiers: ClinVar variation 956604 (VCV000956604.13), dbSNP rs1214109688, ClinGen allele CA366125108.
Genomic context (GRCh38, chr6:152,354,730, plus strand): 5'-GTAATTGTATCTCCTTGGTTGCCCTGTTAGACTGACGTCTGGTCCTGGGACTAACTTTCT[C>T]CTCTGCTGTTTTGAGCCATTCATCTACTTGCTGAAACTTTTGCTCCATTAGCCTCAATTT-3'
Protein context (NP_892006.3, residues 3609-3629): QVDEWLKTAE[Glu3619Lys]KVSPRTRRQS

ClinVar aggregate classification (germline): Uncertain significance. Review status: criteria provided, multiple submitters, no conflicts (2 of 4 stars). 3 submissions from 3 submitters: Uncertain significance (3). Last evaluated 2022-06-04.

Conditions:
Autosomal recessive ataxia, Beauce type. Also called: Spinocerebellar ataxia, autosomal recessive 8; ATAXIA, RECESSIVE, OF BEAUCE; SYNE1-Related Autosomal Recessive Cerebellar Ataxia; SYNE1 Deficiency. Identifiers: Orphanet 88644, MedGen C1853116, MONDO:0012549, OMIM 610743.
Emery-Dreifuss muscular dystrophy 4, autosomal dominant (EDMD4). Also called: EMERY-DREIFUSS MUSCULAR DYSTROPHY 4 WITH VARIABLE FEATURES. Identifiers: Orphanet 261, MedGen C2751807, MONDO:0013071, OMIM 612998.

Allele frequency attached by ClinVar (database versions not stated): gnomAD exomes below 0.00001 and 0.00001; TOPMed 0.00003.
gnomAD v4.1: 13 of 1,614,234 alleles (0.00081%); highest among the groups gnomAD compares: Admixed American, 0.0017%; no homozygotes.

Submissions (3):

Labcorp Genetics (formerly Invitae), Labcorp
Classification: Uncertain significance for Emery-Dreifuss muscular dystrophy 4, autosomal dominant; Autosomal recessive ataxia, Beauce type. Last evaluated: 2022-06-04. Review status: criteria provided, single submitter. Criteria: Invitae Variant Classification Sherloc (09022015). Collection method: clinical testing. Allele origin: germline.
Comment: In summary, the available evidence is currently insufficient to determine the role of this variant in disease. Therefore, it has been classified as a Variant of Uncertain Significance. Algorithms developed to predict the effect of missense changes on protein structure and function (SIFT, PolyPhen-2, Align-GVGD) all suggest that this variant is likely to be tolerated. ClinVar contains an entry for this variant (Variation ID: 956604). This variant has not been reported in the literature in individuals affected with SYNE1-related conditions. This variant is present in population databases (no rsID available, gnomAD 0.0009%). This sequence change replaces glutamic acid, which is acidic and polar, with lysine, which is basic and polar, at codon 3626 of the SYNE1 protein (p.Glu3626Lys).

Athena Diagnostics
Classification: Uncertain significance. Last evaluated: 2021-10-04. Review status: criteria provided, single submitter. Criteria: Athena Diagnostics Criteria. Collection method: clinical testing. Allele origin: unknown.

Revvity Omics, Revvity
Classification: Uncertain significance. Last evaluated: 2020-04-03. Review status: criteria provided, single submitter. Criteria: ACMG Guidelines, 2015. Collection method: clinical testing. Allele origin: germline.